The following is an entry in ClinVar:

NM_001006658.3(CR2):c.1403-14G>A

Gene: CR2 (complement C3d receptor 2; plus strand). Cytogenetic location: 1q32.2.
Variant type: single nucleotide variant.
Coding change: c.1403-14G>A on transcript NM_001006658.3 (MANE Select); 14 bases into the intron before coding-DNA position 1403, G replaced by A.
Molecular consequence: intron variant.
Genome position (GRCh38, 1-based): chr1:207,470,983, G>A. VCF-style: chr1-207470983-G-A. GRCh37 (hg19) VCF-style: chr1-207644328-G-A.
Other names: c.1403-14G>A (NM_001877.5).
Identifiers: ClinVar variation 1920532 (VCV001920532.5), dbSNP rs761376121, ClinGen allele CA1368715.

ClinVar aggregate classification (germline): Uncertain significance (1 of 4 stars; one submission).

Conditions:
Immunodeficiency, common variable, 7. Identifiers: Orphanet 1572, Orphanet 696894, MedGen C3542922, MONDO:0013862, OMIM 614699.

Allele frequency attached by ClinVar (database versions not stated): gnomAD exomes 0.00002; TOPMed below 0.00001; ExAC 0.00001; gnomAD 0.00001.
gnomAD v4.1: 35 of 1,613,680 alleles (0.0022%); highest among the groups gnomAD compares: Non-Finnish European, 0.0025%; no homozygotes.

Submission:

Labcorp Genetics (formerly Invitae), Labcorp
Classification: Uncertain significance for Immunodeficiency, common variable, 7. Last evaluated: 2022-03-12. Review status: criteria provided, single submitter. Criteria: Invitae Variant Classification Sherloc (09022015). Collection method: clinical testing. Allele origin: germline.
Comment: This sequence change falls in intron 7 of the CR2 gene. It does not directly change the encoded amino acid sequence of the CR2 protein. In summary, the available evidence is currently insufficient to determine the role of this variant in disease. Therefore, it has been classified as a Variant of Uncertain Significance. Algorithms developed to predict the effect of sequence changes on RNA splicing suggest that this variant may disrupt the consensus splice site. This variant has not been reported in the literature in individuals affected with CR2-related conditions. This variant is present in population databases (rs761376121, gnomAD 0.008%).